The following is an entry in ClinVar:

ClinVar aggregate classification (germline): Uncertain significance (1 of 4 stars; one submission).

Submission:

GeneDx
Classification: Uncertain significance. Last evaluated: 2024-07-28. Review status: criteria provided, single submitter. Criteria: GeneDx Variant Classification Process June 2021. Collection method: clinical testing. Allele origin: germline. Affected: yes.
Comment: Not observed at significant frequency in large population cohorts (gnomAD); In silico analysis indicates that this missense variant does not alter protein structure/function; Has not been previously published as pathogenic or benign to our knowledge

NM_001080517.3(SETD5):c.3616A>C (p.Thr1206Pro)

Gene: SETD5 (SET domain containing 5; plus strand). Cytogenetic location: 3p25.3.
Variant type: single nucleotide variant.
Coding change: c.3616A>C on transcript NM_001080517.3 (MANE Select); coding-DNA position 3616, A replaced by C.
Protein change: p.Thr1206Pro; replaces threonine 1206 with proline.
Molecular consequence: missense variant.
Genome position (GRCh38, 1-based): chr3:9,474,567, A>C. VCF-style: chr3-9474567-A-C. GRCh37 (hg19) VCF-style: chr3-9516251-A-C.
Other names: c.3322A>C, p.Thr1108Pro (NM_001292043.2, NM_001349451.2); short protein forms T1108P, T1206P.
Identifiers: ClinVar variation 3602453 (VCV003602453.1).
Genomic context (GRCh38, chr3:9,474,567, plus strand): 5'-CGAAGCAGCGTGAGGGTGGCCCAAAAGGGAGAGCCCTCTCCCACATGGGAGAGTAACATC[A>C]CAGAGAAAGACTCAGGTGAGCCCATGGCCTTCTGCTGCCACCACATTCAGGGACACATGA-3'
Protein context (NP_001073986.1, residues 1196-1216): EPSPTWESNI[Thr1206Pro]EKDSDPADGE